The following is an entry in ClinVar:

ClinVar aggregate classification (germline): Benign/Likely benign. Review status: criteria provided, multiple submitters, no conflicts (2 of 4 stars). 2 submissions from 2 submitters: Benign (1); Likely benign (1). Last evaluated 2026-01-12.

Allele frequency attached by ClinVar (database versions not stated): 1000 Genomes Project 30x 0.00094; 1000 Genomes Project 0.00100; TOPMed 0.00328; gnomAD 0.00344 and 0.00359; gnomAD exomes 0.00472 and 0.00530; ESP Exome Variant Server 0.00484; ExAC 0.00579.
gnomAD v4.1: 8,177 of 1,614,094 alleles (0.51%); highest among the groups gnomAD compares: Non-Finnish European, 0.62%; 38 homozygotes.

Submissions (2):

Labcorp Genetics (formerly Invitae), Labcorp
Classification: Benign. Last evaluated: 2026-01-12. Review status: criteria provided, single submitter. Criteria: Invitae Variant Classification Sherloc (09022015). Collection method: clinical testing. Allele origin: germline.

CeGaT Center for Human Genetics Tuebingen
Classification: Likely benign. Last evaluated: 2024-07-01. Review status: criteria provided, single submitter. Criteria: CeGaT Center For Human Genetics Tuebingen Variant Classification Criteria Version 2. Collection method: clinical testing. Allele origin: germline. Affected: yes. Observed: 9 variant alleles.
Comment: EXOC8: BP4, BP7, BS2

NM_175876.5(EXOC8):c.657T>G (p.Pro219=)

Gene: EXOC8 (exocyst complex component 8; minus strand). Cytogenetic location: 1q42.2.
Variant type: single nucleotide variant.
Coding change: c.657T>G on transcript NM_175876.5 (MANE Select); coding-DNA position 657, T replaced by G.
Protein change: p.Pro219=; no amino-acid change (proline 219 retained).
Molecular consequence: synonymous variant.
Genome position (GRCh38, 1-based): chr1:231,337,089, A>C on the plus strand (T>G on the coding strand, the complement: EXOC8 is on the minus strand). VCF-style: chr1-231337089-A-C. GRCh37 (hg19) VCF-style: chr1-231472835-A-C.
Identifiers: ClinVar variation 786402 (VCV000786402.32), dbSNP rs148264842, ClinGen allele CA1452445.